The following is an entry in ClinVar:

NM_000372.5(TYR):c.994A>T (p.Met332Leu)

Gene: TYR (tyrosinase; plus strand). Cytogenetic location: 11q14.3.
Variant type: single nucleotide variant.
Coding change: c.994A>T on transcript NM_000372.5 (MANE Select); coding-DNA position 994, A replaced by T.
Protein change: p.Met332Leu; replaces methionine 332 with leucine.
Molecular consequence: missense variant.
Genome position (GRCh38, 1-based): chr11:89,191,376, A>T. VCF-style: chr11-89191376-A-T. GRCh37 (hg19) VCF-style: chr11-88924544-A-T.
Other names: short protein forms M332L.
Identifiers: ClinVar variation 3233837 (VCV003233837.2), dbSNP rs746950059, ClinGen allele CA382036024.

ClinVar aggregate classification (germline): Uncertain significance (1 of 4 stars; one submission).

Allele frequency attached by ClinVar (database versions not stated): TOPMed 0.00001.

Submission:

Women's Health and Genetics/Laboratory Corporation of America, LabCorp
Classification: Uncertain significance. Last evaluated: 2024-03-21. Review status: criteria provided, single submitter. Criteria: LabCorp Variant Classification Summary - May 2015. Collection method: clinical testing. Allele origin: germline.
Comment: Variant summary: TYR c.994A>T (p.Met332Leu) results in a conservative amino acid change located in the Tyrosinase copper-binding domain (IPR002227) of the encoded protein sequence. Three of five in-silico tools predict a damaging effect of the variant on protein function. The variant was absent in 251062 control chromosomes. The available data on variant occurrences in the general population are insufficient to allow any conclusion about variant significance. c.994A>T has been reported in the literature in individuals affected with Microphthalmia (Li_2022). This report does not provide unequivocal conclusions about association of the variant with Oculocutaneous Albinism. To our knowledge, no experimental evidence demonstrating an impact on protein function has been reported. The following publication have been ascertained in the context of this evaluation (PMID: 35716026). No submitters have cited clinical-significance assessments for this variant to ClinVar. Based on the evidence outlined above, the variant was classified as uncertain significance.

Literature cited by the submitters: PubMed 35716026.